The following is an entry in ClinVar:

ClinVar aggregate classification (germline): Uncertain significance. Review status: criteria provided, multiple submitters, no conflicts (2 of 4 stars). 2 submissions from 2 submitters: Uncertain significance (2). Last evaluated 2025-03-13.

Conditions:
Hereditary cancer-predisposing syndrome. Also called: Neoplastic Syndromes, Hereditary; Tumor predisposition; Hereditary Cancer Syndrome; Hereditary neoplastic syndrome. Identifiers: Orphanet 140162, MedGen C0027672, MeSH D009386, MONDO:0015356.

Allele frequency attached by ClinVar (database versions not stated): gnomAD exomes below 0.00001; ExAC 0.00001.
gnomAD v4.1: 1 of 1,614,162 alleles (0.000062%); highest among the groups gnomAD compares: South Asian, 0.0011%; no homozygotes.

Submissions (2):

Ambry Genetics
Classification: Uncertain significance for Hereditary cancer-predisposing syndrome. Last evaluated: 2025-03-13. Review status: criteria provided, single submitter. Criteria: Ambry Variant Classification Scheme 2023. Collection method: clinical testing. Allele origin: germline.
Comment: The p.D392E variant (also known as c.1176C>G), located in coding exon 12 of the POLE gene, results from a C to G substitution at nucleotide position 1176. The aspartic acid at codon 392 is replaced by glutamic acid, an amino acid with highly similar properties. This amino acid position is highly conserved in available vertebrate species. In addition, the in silico prediction for this alteration is inconclusive. Based on the available evidence, the clinical significance of this variant remains unclear.

Labcorp Genetics (formerly Invitae), Labcorp
Classification: Uncertain significance. Last evaluated: 2017-07-31. Review status: criteria provided, single submitter. Criteria: Invitae Variant Classification Sherloc (09022015). Collection method: clinical testing. Allele origin: germline.
Comment: In summary, the available evidence is currently insufficient to determine the role of this variant in disease. Therefore, it has been classified as a Variant of Uncertain Significance. Algorithms developed to predict the effect of missense changes on protein structure and function do not agree on the potential impact of this missense change (SIFT: "Tolerated"; PolyPhen-2: "Possibly Damaging"; Align-GVGD: "Class C0"). This variant has not been reported in the literature in individuals with POLE-related disease. This variant is present in population databases (rs752873913, ExAC 0.006%). This sequence change replaces aspartic acid with glutamic acid at codon 392 of the POLE protein (p.Asp392Glu). The aspartic acid residue is highly conserved and there is a small physicochemical difference between aspartic acid and glutamic acid.

NM_006231.4(POLE):c.1176C>G (p.Asp392Glu)

Gene: POLE (DNA polymerase epsilon, catalytic subunit; minus strand). Cytogenetic location: 12q24.33.
Variant type: single nucleotide variant.
Coding change: c.1176C>G on transcript NM_006231.4 (MANE Select); coding-DNA position 1176, C replaced by G.
Protein change: p.Asp392Glu; replaces aspartic acid 392 with glutamic acid.
Molecular consequence: missense variant.
Genome position (GRCh38, 1-based): chr12:132,675,448, G>C on the plus strand (C>G on the coding strand, the complement: POLE is on the minus strand). VCF-style: chr12-132675448-G-C. GRCh37 (hg19) VCF-style: chr12-133252034-G-C.
Other names: c.1176C>G (NM_006231.2); short protein forms D392E.
Identifiers: ClinVar variation 473440 (VCV000473440.9), dbSNP rs752873913, ClinGen allele CA6894055.